The following is an entry in ClinVar:

ClinVar aggregate classification (germline): Uncertain significance. Review status: criteria provided, multiple submitters, no conflicts (2 of 4 stars). 2 submissions from 2 submitters: Uncertain significance (2). Last evaluated 2025-10-06.

Allele frequency attached by ClinVar (database versions not stated): ESP Exome Variant Server 0.00009; gnomAD 0.00014 and 0.00016; gnomAD exomes 0.00020 and 0.00022; TOPMed 0.00020; 1000 Genomes Project 30x 0.00021; ExAC 0.00025; 1000 Genomes Project 0.00026.
gnomAD v4.1: 233 of 1,209,539 alleles (0.019%); highest among the groups gnomAD compares: Admixed American, 0.028%; 1 homozygote.

Submissions (2):

Labcorp Genetics (formerly Invitae), Labcorp
Classification: Uncertain significance. Last evaluated: 2025-10-06. Review status: criteria provided, single submitter. Criteria: Invitae Variant Classification Sherloc (09022015). Collection method: clinical testing. Allele origin: germline.
Comment: This sequence change replaces serine, which is neutral and polar, with leucine, which is neutral and non-polar, at codon 889 of the DRP2 protein (p.Ser889Leu). This variant is present in population databases (rs34562102, gnomAD 0.04%), and has an allele count higher than expected for a pathogenic variant. This variant has not been reported in the literature in individuals affected with DRP2-related conditions. ClinVar contains an entry for this variant (Variation ID: 1388458). An algorithm developed to predict the effect of missense changes on protein structure and function (PolyPhen-2) suggests that this variant is likely to be disruptive. In summary, the available evidence is currently insufficient to determine the role of this variant in disease. Therefore, it has been classified as a Variant of Uncertain Significance.

Ambry Genetics
Classification: Uncertain significance. Last evaluated: 2024-01-23. Review status: criteria provided, single submitter. Criteria: Ambry Variant Classification Scheme 2023. Collection method: clinical testing. Allele origin: germline.

NM_001939.3(DRP2):c.2666C>T (p.Ser889Leu)

Gene: DRP2 (dystrophin related protein 2; plus strand). Cytogenetic location: Xq22.1.
Variant type: single nucleotide variant.
Coding change: c.2666C>T on transcript NM_001939.3 (MANE Select); coding-DNA position 2666, C replaced by T.
Protein change: p.Ser889Leu; replaces serine 889 with leucine.
Molecular consequence: missense variant.
Genome position (GRCh38, 1-based): chrX:101,260,086, C>T. VCF-style: chrX-101260086-C-T. GRCh37 (hg19) VCF-style: chrX-100515075-C-T.
Other names: c.2432C>T, p.Ser811Leu (NM_001171184.2); c.2666C>T (NM_001939.2); short protein forms S811L, S889L.
Identifiers: ClinVar variation 1388458 (VCV001388458.7), dbSNP rs34562102, ClinGen allele CA10472510.
Genomic context (GRCh38, chrX:101,260,086, plus strand): 5'-AGTCATGCCTTACCTCTTGCTAGCCACCCACCGAATCAGATGGCAGTGGCTCTGCAGGCT[C>T]GTCCCTAGCTTCCTCTCCACAGCAGTCAGAAGGCAGTCACCCCCGGGAGAAGGGACAGAC-3'
Protein context (NP_001930.2, residues 879-899): TESDGSGSAG[Ser889Leu]SLASSPQQSE